The following is an entry in ClinVar:

NM_004168.4(SDHA):c.1472A>T (p.Glu491Val)

Gene: SDHA (succinate dehydrogenase complex flavoprotein subunit A; plus strand). Cytogenetic location: 5p15.33.
Variant type: single nucleotide variant.
Coding change: c.1472A>T on transcript NM_004168.4 (MANE Select); coding-DNA position 1472, A replaced by T.
Protein change: p.Glu491Val; replaces glutamic acid 491 with valine.
Molecular consequence: missense variant.
Genome position (GRCh38, 1-based): chr5:240,397, A>T. VCF-style: chr5-240397-A-T. GRCh37 (hg19) VCF-style: chr5-240512-A-T.
Other names: c.1328A>T, p.Glu443Val (NM_001294332.2); c.1472A>T, p.Glu491Val (NM_001330758.2); short protein forms E443V, E491V.
Identifiers: ClinVar variation 4789763 (VCV004789763.1).

ClinVar aggregate classification (germline): Uncertain significance (1 of 4 stars; one submission).

Conditions:
Mitochondrial complex II deficiency, nuclear type 1. Also called: SUCCINATE CoQ REDUCTASE DEFICIENCY. Identifiers: Orphanet 3208, MedGen C5700310, MONDO:0100294, OMIM 252011.
Pheochromocytoma/paraganglioma syndrome 5. Also called: Paragangliomas 5; SDHA-Related Hereditary Paraganglioma-Pheochromocytoma Syndrome. Identifiers: Orphanet 29072, MedGen C3279992, MONDO:0013602, OMIM 614165.

Submission:

Labcorp Genetics (formerly Invitae), Labcorp
Classification: Uncertain significance for Pheochromocytoma/paraganglioma syndrome 5; Mitochondrial complex II deficiency, nuclear type 1. Last evaluated: 2025-02-25. Review status: criteria provided, single submitter. Criteria: Invitae Variant Classification Sherloc (09022015). Collection method: clinical testing. Allele origin: germline.
Comment: This sequence change replaces glutamic acid, which is acidic and polar, with valine, which is neutral and non-polar, at codon 491 of the SDHA protein (p.Glu491Val). This variant is not present in population databases (gnomAD no frequency). This variant has not been reported in the literature in individuals affected with SDHA-related conditions. Invitae Evidence Modeling of protein sequence and biophysical properties (such as structural, functional, and spatial information, amino acid conservation, physicochemical variation, residue mobility, and thermodynamic stability) indicates that this missense variant is not expected to disrupt SDHA protein function with a negative predictive value of 95%. In summary, the available evidence is currently insufficient to determine the role of this variant in disease. Therefore, it has been classified as a Variant of Uncertain Significance.